The following is an entry in ClinVar:

ClinVar aggregate classification (germline): Uncertain significance (1 of 4 stars; one submission).

Conditions:
Muscular dystrophy-dystroglycanopathy (congenital with brain and eye anomalies), type A14. Also called: WALKER-WARBURG SYNDROME OR MUSCLE-EYE-BRAIN DISEASE, GMPPB-RELATED; Congenital Muscular Dystrophy-Dystroglycanopathy with Brain and Eye Anomalies Type A 14; Congenital muscular dystrophy-dystroglycanopathy with brain and eye anomalies, type A14; Muscular dystrophy-dystroglycanopathy (congenital with brain and eye anomalies), type a, 14. Identifiers: Orphanet 588, MedGen C3809216, MONDO:0014140, OMIM 615350.
Muscular dystrophy-dystroglycanopathy (congenital with impaired intellectual development), type B, 14. Also called: Muscular dystrophy-dystroglycanopathy (congenital with intellectual disability), type B14; MUSCULAR DYSTROPHY, CONGENITAL, GMPPB-RELATED; Congenital muscular dystrophy-dystroglycanopathy with mental retardation, type B14. Identifiers: MedGen C3809221, MONDO:0014141, OMIM 615351.
Autosomal recessive limb-girdle muscular dystrophy type 2T. Also called: MUSCULAR DYSTROPHY-DYSTROGLYCANOPATHY, LIMB-GIRDLE, GMPPB-RELATED; Limb-girdle muscular dystrophy-dystroglycanopathy, type C14; MUSCULAR DYSTROPHY, LIMB-GIRDLE, TYPE 2T; Muscular dystrophy-dystroglycanopathy (limb-girdle), type c, 14. Identifiers: Orphanet 363623, MedGen C4518000, MONDO:0014142, OMIM 615352.

Submission:

Labcorp Genetics (formerly Invitae), Labcorp
Classification: Uncertain significance for Muscular dystrophy-dystroglycanopathy (limb-girdle), type c, 14; Muscular dystrophy-dystroglycanopathy (congenital with brain and eye anomalies), type a, 14; Muscular dystrophy-dystroglycanopathy (congenital with mental retardation), type b, 14. Last evaluated: 2019-10-03. Review status: criteria provided, single submitter. Criteria: Invitae Variant Classification Sherloc (09022015). Collection method: clinical testing. Allele origin: germline.
Comment: This variant, c.288_290dup, results in the insertion of 1 amino acid(s) to the GMPPB protein (p.Leu97dup), but otherwise preserves the integrity of the reading frame. This variant is present in population databases (rs777323266, ExAC 0.01%). This variant has not been reported in the literature in individuals with GMPPB-related conditions. Experimental studies and prediction algorithms are not available or were not evaluated, and the functional significance of this variant is currently unknown. In summary, the available evidence is currently insufficient to determine the role of this variant in disease. Therefore, it has been classified as a Variant of Uncertain Significance.

NM_021971.4(GMPPB):c.288_290dup (p.Leu97dup)

Gene: GMPPB (GDP-mannose pyrophosphorylase B; minus strand). Cytogenetic location: 3p21.31.
Variant type: Duplication.
Coding change: c.288_290dup on transcript NM_021971.4 (MANE Select); coding-DNA positions 288 to 290, 3 bases duplicated (ACT; older notation c.288_290dupACT).
Protein change: p.Leu97dup; duplicates leucine 97.
Molecular consequence: inframe insertion.
Genome position (GRCh38, 1-based): chr3:49,723,084-49,723,086, AGT duplicated on the plus strand (ACT on the coding strand, the reverse complement: GMPPB is on the minus strand); duplicating any 3 consecutive bases within chr3:49,723,084-49,723,088 gives the same sequence; the c. name uses the placement nearest the transcript's 3' end. VCF-style (leftmost placement, unchanged base first): chr3-49723083-G-GAGT. GRCh37 (hg19) VCF-style: chr3-49760516-G-GAGT.
Other names: c.288_290dup, p.Leu97dup (NM_013334.4).
Identifiers: ClinVar variation 939030 (VCV000939030.1), dbSNP rs777323266, ClinGen allele CA2405606.